The following is an entry in ClinVar:

NM_000051.4(ATM):c.727T>A (p.Leu243Met)

Gene: ATM (ATM serine/threonine kinase; plus strand). Cytogenetic location: 11q22.3.
Variant type: single nucleotide variant.
Coding change: c.727T>A on transcript NM_000051.4 (MANE Select); coding-DNA position 727, T replaced by A.
Protein change: p.Leu243Met; replaces leucine 243 with methionine.
Molecular consequence: missense variant.
Genome position (GRCh38, 1-based): chr11:108,244,852, T>A. VCF-style: chr11-108244852-T-A. GRCh37 (hg19) VCF-style: chr11-108115579-T-A.
Other names: c.727T>A, p.Leu243Met (NM_001351834.2); short protein forms L243M.
Identifiers: ClinVar variation 3966870 (VCV003966870.1).

ClinVar aggregate classification (germline): Uncertain significance (1 of 4 stars; one submission).

Conditions:
Hereditary cancer-predisposing syndrome. Also called: Tumor predisposition; Hereditary neoplastic syndrome; Hereditary Cancer Syndrome; Neoplastic Syndromes, Hereditary. Identifiers: Orphanet 140162, MedGen C0027672, MeSH D009386, MONDO:0015356.

Submission:

Ambry Genetics
Classification: Uncertain significance for Hereditary cancer-predisposing syndrome. Last evaluated: 2025-05-02. Review status: criteria provided, single submitter. Criteria: Ambry Variant Classification Scheme 2023. Collection method: clinical testing. Allele origin: germline.
Comment: The p.L243M variant (also known as c.727T>A), located in coding exon 6 of the ATM gene, results from a T to A substitution at nucleotide position 727. The leucine at codon 243 is replaced by methionine, an amino acid with highly similar properties. This amino acid position is conserved. In addition, this alteration is predicted to be tolerated by in silico analysis. Based on the available evidence, the clinical significance of this variant remains unclear.